The following is an entry in ClinVar:

NM_000228.3(LAMB3):c.582G>T (p.Met194Ile)

Gene: LAMB3 (laminin subunit beta 3; minus strand). Cytogenetic location: 1q32.2.
Variant type: single nucleotide variant.
Coding change: c.582G>T on transcript NM_000228.3 (MANE Select); coding-DNA position 582, G replaced by T.
Protein change: p.Met194Ile; replaces methionine 194 with isoleucine.
Molecular consequence: missense variant.
Genome position (GRCh38, 1-based): chr1:209,633,116, C>A on the plus strand (G>T on the coding strand, the complement: LAMB3 is on the minus strand). VCF-style: chr1-209633116-C-A. GRCh37 (hg19) VCF-style: chr1-209806461-C-A.
Other names: c.582G>T, p.Met194Ile (NM_001017402.2, NM_001127641.1); short protein forms M194I.
Identifiers: ClinVar variation 295133 (VCV000295133.10), dbSNP rs75876132, ClinGen allele CA1375907.

ClinVar aggregate classification (germline): Uncertain significance. Review status: criteria provided, multiple submitters, no conflicts (2 of 4 stars). 4 submissions from 4 submitters: Uncertain significance (4). Last evaluated 2022-09-12.

Conditions:
Junctional epidermolysis bullosa gravis of Herlitz. Also called: EPIDERMOLYSIS BULLOSA JUNCTIONALIS, HERLITZ TYPE; EPIDERMOLYSIS BULLOSA, JUNCTIONAL, HERLITZ-PEARSON TYPE; JEB-HERLITZ TYPE; Epidermolysis Bullosa Letalis; EPIDERMOLYSIS BULLOSA, JUNCTIONAL 1B, SEVERE; Herlitz-type junctional epidermolysis bullosa. Identifiers: Orphanet 79404, MedGen C0079683, MONDO:0009182, OMIM 226700.
Inborn genetic diseases. Identifiers: MedGen C0950123, MeSH D030342.
Junctional epidermolysis bullosa. Identifiers: Orphanet 305, MedGen C0079301, MONDO:0017612.

Allele frequency attached by ClinVar (database versions not stated): gnomAD exomes 0.00016 and 0.00032; TOPMed 0.00015; gnomAD 0.00019 and 0.00022; ExAC 0.00038; 1000 Genomes Project 0.00040; 1000 Genomes Project 30x 0.00031.

Submissions (4):

Labcorp Genetics (formerly Invitae), Labcorp
Classification: Uncertain significance. Last evaluated: 2022-09-12. Review status: criteria provided, single submitter. Criteria: Invitae Variant Classification Sherloc (09022015). Collection method: clinical testing. Allele origin: germline.
Comment: This sequence change replaces methionine, which is neutral and non-polar, with isoleucine, which is neutral and non-polar, at codon 194 of the LAMB3 protein (p.Met194Ile). This variant is present in population databases (rs75876132, gnomAD 0.1%). This variant has not been reported in the literature in individuals affected with LAMB3-related conditions. ClinVar contains an entry for this variant (Variation ID: 295133). Algorithms developed to predict the effect of missense changes on protein structure and function (SIFT, PolyPhen-2, Align-GVGD) all suggest that this variant is likely to be tolerated. In summary, the available evidence is currently insufficient to determine the role of this variant in disease. Therefore, it has been classified as a Variant of Uncertain Significance.

Ambry Genetics
Classification: Uncertain significance for Inborn genetic diseases. Last evaluated: 2021-07-13. Review status: criteria provided, single submitter. Criteria: Ambry Variant Classification Scheme 2023. Collection method: clinical testing. Allele origin: germline.

Genome-Nilou Lab
Classification: Uncertain significance for Junctional epidermolysis bullosa gravis of Herlitz. Last evaluated: 2021-06-10. Review status: criteria provided, single submitter. Criteria: ACMG Guidelines, 2015. Collection method: clinical testing. Allele origin: germline. Affected: no.

Illumina Laboratory Services, Illumina
Classification: Uncertain significance for Junctional epidermolysis bullosa. Last evaluated: 2018-01-12. Review status: criteria provided, single submitter. Criteria: ICSL Variant Classification Criteria 13 December 2019. Collection method: clinical testing. Allele origin: germline.